The following is an entry in ClinVar:

ClinVar aggregate classification (germline): Conflicting classifications of pathogenicity. Review status: criteria provided, conflicting classifications (1 of 4 stars). 2 submissions from 2 submitters: Uncertain significance (1); Likely benign (1). Last evaluated 2026-06-11.

Conditions:
FBLN1-related disorder. Also called: FBLN1-related condition.

Allele frequency attached by ClinVar (database versions not stated): gnomAD exomes 0.00003; ExAC 0.00007; gnomAD 0.00007 and 0.00008; TOPMed 0.00009; 1000 Genomes Project 0.00020; ESP Exome Variant Server 0.00023; 1000 Genomes Project 30x 0.00031.
gnomAD v4.1: 61 of 1,614,138 alleles (0.0038%); highest among the groups gnomAD compares: Admixed American, 0.018%; no homozygotes.

Submissions (2):

PreventionGenetics, part of Exact Sciences
Classification: Likely benign for FBLN1-related condition. Last evaluated: 2026-06-11. Review status: criteria provided, single submitter. Criteria: ACMG Guidelines, 2015. Collection method: clinical testing. Allele origin: germline.
Comment: This variant is classified as likely benign based on ACMG/AMP sequence variant interpretation guidelines (Richards et al. 2015 PMID: 25741868, with internal and published modifications).

Labcorp Genetics (formerly Invitae), Labcorp
Classification: Uncertain significance. Last evaluated: 2024-08-13. Review status: criteria provided, single submitter. Criteria: Invitae Variant Classification Sherloc (09022015). Collection method: clinical testing. Allele origin: germline.
Comment: This sequence change affects codon 126 of the FBLN1 mRNA. It is a 'silent' change, meaning that it does not change the encoded amino acid sequence of the FBLN1 protein. This variant is present in population databases (rs144410933, gnomAD 0.02%). This variant has not been reported in the literature in individuals affected with FBLN1-related conditions. ClinVar contains an entry for this variant (Variation ID: 1521254). Algorithms developed to predict the effect of sequence changes on RNA splicing suggest that this variant may disrupt the consensus splice site. In summary, the available evidence is currently insufficient to determine the role of this variant in disease. Therefore, it has been classified as a Variant of Uncertain Significance.

NM_006486.3(FBLN1):c.378C>T (p.Cys126=)

Gene: FBLN1 (fibulin 1; plus strand). Cytogenetic location: 22q13.31.
Variant type: single nucleotide variant.
Coding change: c.378C>T on transcript NM_006486.3 (MANE Select); coding-DNA position 378, C replaced by T.
Protein change: p.Cys126=; no amino-acid change (cysteine 126 retained).
Molecular consequence: synonymous variant.
Genome position (GRCh38, 1-based): chr22:45,527,903, C>T. VCF-style: chr22-45527903-C-T. GRCh37 (hg19) VCF-style: chr22-45923783-C-T.
Other names: c.378C>T, p.Cys126= (NM_001996.4, NM_006485.4, NM_006487.3); c.378C>T (NM_006486.2).
Identifiers: ClinVar variation 1521254 (VCV001521254.9), dbSNP rs144410933, ClinGen allele CA10286540.